The following is an entry in ClinVar:

NM_000255.4(MMUT):c.360T>G (p.Asn120Lys)

Gene: MMUT (methylmalonyl-CoA mutase; minus strand). Cytogenetic location: 6p12.3.
Variant type: single nucleotide variant.
Coding change: c.360T>G on transcript NM_000255.4 (MANE Select); coding-DNA position 360, T replaced by G.
Protein change: p.Asn120Lys; replaces asparagine 120 with lysine.
Molecular consequence: missense variant.
Genome position (GRCh38, 1-based): chr6:49,459,107, A>C on the plus strand (T>G on the coding strand, the complement: MMUT is on the minus strand). VCF-style: chr6-49459107-A-C. GRCh37 (hg19) VCF-style: chr6-49426820-A-C.
Other names: short protein forms N120K.
Identifiers: ClinVar variation 2984449 (VCV002984449.3), dbSNP rs2481349847, ClinGen allele CA364404913.

ClinVar aggregate classification (germline): Likely pathogenic (1 of 4 stars; one submission).

Submission:

Labcorp Genetics (formerly Invitae), Labcorp
Classification: Likely pathogenic. Last evaluated: 2023-07-18. Review status: criteria provided, single submitter. Criteria: Invitae Variant Classification Sherloc (09022015). Collection method: clinical testing. Allele origin: germline.
Comment: This sequence change replaces asparagine, which is neutral and polar, with lysine, which is basic and polar, at codon 120 of the MUT protein (p.Asn120Lys). In summary, the currently available evidence indicates that the variant is pathogenic, but additional data are needed to prove that conclusively. Therefore, this variant has been classified as Likely Pathogenic. Advanced modeling of protein sequence and biophysical properties (such as structural, functional, and spatial information, amino acid conservation, physicochemical variation, residue mobility, and thermodynamic stability) performed at Invitae indicates that this missense variant is expected to disrupt MUT protein function. This missense change has been observed in individual(s) with clinical features of methylmalonic acidemia (Invitae). This variant is not present in population databases (gnomAD no frequency).